The following is an entry in ClinVar:

ClinVar aggregate classification (germline): Uncertain significance. Review status: criteria provided, multiple submitters, no conflicts (2 of 4 stars). 3 submissions from 3 submitters: Uncertain significance (3). Last evaluated 2025-12-10.

Conditions:
Familial thoracic aortic aneurysm and aortic dissection (TAAD). Also called: Thoracic aortic aneurysms and dissections. Identifiers: Orphanet 91387, MedGen C4707243, MONDO:0019625.
Aortic aneurysm, familial thoracic 4 (AAT4). Also called: AORTIC ANEURYSM/AORTIC DISSECTION AND PATENT DUCTUS ARTERIOSUS. Identifiers: MedGen C1851504, MONDO:0007568, OMIM 132900.

Allele frequency attached by ClinVar (database versions not stated): gnomAD exomes below 0.00001.

Submissions (3):

Labcorp Genetics (formerly Invitae), Labcorp
Classification: Uncertain significance for Aortic aneurysm, familial thoracic 4. Last evaluated: 2025-12-10. Review status: criteria provided, single submitter. Criteria: Invitae Variant Classification Sherloc (09022015). Collection method: clinical testing. Allele origin: germline.
Comment: This sequence change replaces methionine, which is neutral and non-polar, with threonine, which is neutral and polar, at codon 1811 of the MYH11 protein (p.Met1811Thr). This variant is present in population databases (no rsID available, gnomAD 0.0009%). This variant has not been reported in the literature in individuals affected with MYH11-related conditions. ClinVar contains an entry for this variant (Variation ID: 426213). Invitae Evidence Modeling of protein sequence and biophysical properties (such as structural, functional, and spatial information, amino acid conservation, physicochemical variation, residue mobility, and thermodynamic stability) indicates that this missense variant is not expected to disrupt MYH11 protein function with a negative predictive value of 95%. In summary, the available evidence is currently insufficient to determine the role of this variant in disease. Therefore, it has been classified as a Variant of Uncertain Significance.

Color Diagnostics, LLC DBA Color Health
Classification: Uncertain significance for Familial thoracic aortic aneurysm and aortic dissection. Last evaluated: 2025-11-24. Review status: criteria provided, single submitter. Criteria: ACMG Guidelines, 2015. Collection method: clinical testing. Allele origin: germline.
Comment: This missense variant replaces methionine with threonine at codon 1811 of the MYH11 protein. Computational prediction suggests that this variant may not impact protein structure and function. To our knowledge, functional studies have not been reported for this variant. This variant has not been reported in individuals affected with MYH11-related disorders in the literature. This variant has been identified in 1/251354 chromosomes in the general population by the Genome Aggregation Database (gnomAD). The available evidence is insufficient to determine the role of this variant in disease conclusively. Therefore, this variant is classified as a Variant of Uncertain Significance.

GeneDx
Classification: Uncertain significance. Last evaluated: 2017-04-26. Review status: criteria provided, single submitter. Criteria: GeneDx Variant Classification (06012015). Collection method: clinical testing. Allele origin: germline. Affected: yes.
Comment: The M1804T variant in the MYH11 gene has not been reported previously as a pathogenic variant, nor as a benign variant, to our knowledge. The M1804T variant is not observed in large population cohorts (Lek et al., 2016; 1000 Genomes Consortium et al., 2015; Exome Variant Server). The M1804T variant is a non-conservative amino acid substitution, which is likely to impact secondary protein structure as these residues differ in polarity, charge, size and/or other properties. This substitution occurs at a position where amino acids with similar properties to Methionine are tolerated across species. In silico analysis predicts this variant is probably damaging to the protein structure/function. We interpret M1804T as a variant of uncertain significance.

NM_002474.3(MYH11):c.5411T>C (p.Met1804Thr)

Genes: MYH11 (myosin heavy chain 11; minus strand), NDE1 (nudE neurodevelopment protein 1; plus strand). Cytogenetic location: 16p13.11.
Variant type: single nucleotide variant.
Coding change: c.5411T>C on transcript NM_002474.3 (MANE Select); coding-DNA position 5411, T replaced by C.
Protein change: p.Met1804Thr; replaces methionine 1804 with threonine.
Molecular consequence: missense variant. On other transcripts: intron variant (2).
Genome position (GRCh38, 1-based): chr16:15,717,233, A>G on the plus strand (T>C on the coding strand, the complement: MYH11 is on the minus strand). VCF-style: chr16-15717233-A-G. GRCh37 (hg19) VCF-style: chr16-15811090-A-G.
Other names: c.5432T>C, p.Met1811Thr (NM_001040113.2, NM_001040114.2); c.5411T>C, p.Met1804Thr (NM_022844.3); c.948-6958A>G (NM_001143979.2, NM_017668.3); short protein forms M1804T, M1811T.
Identifiers: ClinVar variation 426213 (VCV000426213.3), dbSNP rs1085307503, ClinGen allele CA394848950.